The following is an entry in ClinVar:

ClinVar aggregate classification (germline): Uncertain significance. Review status: criteria provided, multiple submitters, no conflicts (2 of 4 stars). 4 submissions from 4 submitters: Uncertain significance (4). Last evaluated 2025-03-31.

Conditions:
Dilated cardiomyopathy 1O (CMD1O). Also called: CARDIOMYOPATHY, DILATED, WITH VENTRICULAR TACHYCARDIA. Identifiers: Orphanet 154, MedGen C1837839, MONDO:0012062, OMIM 608569.
Cardiovascular phenotype. Identifiers: MedGen CN230736.

Allele frequency attached by ClinVar (database versions not stated): gnomAD 0.00001; gnomAD exomes below 0.00001.
gnomAD v4.1: 2 of 1,585,622 alleles (0.00013%); highest among the groups gnomAD compares: Non-Finnish European, 0.00017%; no homozygotes.

Submissions (4):

Revvity Omics, Revvity
Classification: Uncertain significance. Last evaluated: 2025-03-31. Review status: criteria provided, single submitter. Criteria: ACMG Guidelines, 2015. Collection method: clinical testing. Allele origin: germline.

Labcorp Genetics (formerly Invitae), Labcorp
Classification: Uncertain significance for Dilated cardiomyopathy 1O. Last evaluated: 2025-02-27. Review status: criteria provided, single submitter. Criteria: Invitae Variant Classification Sherloc (09022015). Collection method: clinical testing. Allele origin: germline.
Comment: This sequence change replaces glycine, which is neutral and non-polar, with cysteine, which is neutral and slightly polar, at codon 1437 of the ABCC9 protein (p.Gly1437Cys). This variant is present in population databases (no rsID available, gnomAD 0.0008%). This variant has not been reported in the literature in individuals affected with ABCC9-related conditions. ClinVar contains an entry for this variant (Variation ID: 1677730). Invitae Evidence Modeling of protein sequence and biophysical properties (such as structural, functional, and spatial information, amino acid conservation, physicochemical variation, residue mobility, and thermodynamic stability) indicates that this missense variant is expected to disrupt ABCC9 protein function with a positive predictive value of 80%. In summary, the available evidence is currently insufficient to determine the role of this variant in disease. Therefore, it has been classified as a Variant of Uncertain Significance.

Ambry Genetics
Classification: Uncertain significance for Cardiovascular phenotype. Last evaluated: 2023-02-10. Review status: criteria provided, single submitter. Criteria: Ambry Variant Classification Scheme 2023. Collection method: clinical testing. Allele origin: germline.
Comment: The p.G1437C variant (also known as c.4309G>T), located in coding exon 35 of the ABCC9 gene, results from a G to T substitution at nucleotide position 4309. The glycine at codon 1437 is replaced by cysteine, an amino acid with highly dissimilar properties. This amino acid position is highly conserved in available vertebrate species. In addition, this alteration is predicted to be deleterious by in silico analysis. Since supporting evidence is limited at this time, the clinical significance of this alteration remains unclear.

AiLife Diagnostics
Classification: Uncertain significance. Last evaluated: 2021-12-27. Review status: criteria provided, single submitter. Criteria: ACMG Guidelines, 2015. Collection method: clinical testing. Allele origin: germline. Affected: yes. Observed: 1 variant allele.

NM_020297.4(ABCC9):c.4309G>T (p.Gly1437Cys)

Genes: ABCC9 (ATP binding cassette subfamily C member 9; minus strand), KCNJ8-AS1 (KCNJ8 antisense RNA 1; plus strand). Cytogenetic location: 12p12.1.
Variant type: single nucleotide variant.
Coding change: c.4309G>T on transcript NM_020297.4 (MANE Select); coding-DNA position 4309, G replaced by T.
Protein change: p.Gly1437Cys; replaces glycine 1437 with cysteine.
Molecular consequence: missense variant.
Genome position (GRCh38, 1-based): chr12:21,809,858, C>A on the plus strand (G>T on the coding strand, the complement: ABCC9 is on the minus strand). VCF-style: chr12-21809858-C-A. GRCh37 (hg19) VCF-style: chr12-21962792-C-A.
Other names: c.4309G>T (NM_005691.2); c.4309G>T, p.Gly1437Cys (NM_001377273.1, NM_005691.4); c.3442G>T, p.Gly1148Cys (NM_001377274.1); short protein forms G1148C, G1437C.
Identifiers: ClinVar variation 1677730 (VCV001677730.8), dbSNP rs1320941493, ClinGen allele CA384132855.